The following is an entry in ClinVar:

NM_015158.5(KANK1):c.2978A>G (p.Asn993Ser)

Gene: KANK1 (KN motif and ankyrin repeat domains 1; plus strand). Cytogenetic location: 9p24.3.
Variant type: single nucleotide variant.
Coding change: c.2978A>G on transcript NM_015158.5 (MANE Select); coding-DNA position 2978, A replaced by G.
Protein change: p.Asn993Ser; replaces asparagine 993 with serine.
Molecular consequence: missense variant. On other transcripts: non-coding transcript variant (1).
Genome position (GRCh38, 1-based): chr9:731,239, A>G. VCF-style: chr9-731239-A-G. GRCh37 (hg19) VCF-style: chr9-731239-A-G.
Other names: c.2978A>G, p.Asn993Ser (NM_001256876.3, NM_001256877.3, NM_001354331.2 and 1 more transcripts); c.2924A>G, p.Asn975Ser (NM_001354332.2); c.2504A>G, p.Asn835Ser (NM_001354333.2, NM_153186.6, NM_001354335.2 and 5 more transcripts); c.2450A>G, p.Asn817Ser (NM_001354336.2, NM_001354338.2, NM_001354340.2 and 1 more transcripts); short protein forms N835S, N975S, N817S, N993S.
Identifiers: ClinVar variation 3666841 (VCV003666841.2).

ClinVar aggregate classification (germline): Uncertain significance (1 of 4 stars; one submission).

gnomAD v4.1: 20 of 1,608,516 alleles (0.0012%); highest among the groups gnomAD compares: Non-Finnish European, 0.0016%; no homozygotes.

Submission:

Labcorp Genetics (formerly Invitae), Labcorp
Classification: Uncertain significance. Last evaluated: 2024-06-25. Review status: criteria provided, single submitter. Criteria: Invitae Variant Classification Sherloc (09022015). Collection method: clinical testing. Allele origin: germline.
Comment: This sequence change replaces asparagine, which is neutral and polar, with serine, which is neutral and polar, at codon 993 of the KANK1 protein (p.Asn993Ser). This variant is present in population databases (no rsID available, gnomAD 0.002%). This variant has not been reported in the literature in individuals affected with KANK1-related conditions. Advanced modeling of protein sequence and biophysical properties (such as structural, functional, and spatial information, amino acid conservation, physicochemical variation, residue mobility, and thermodynamic stability) has been performed at Invitae for this missense variant, however the output from this modeling did not meet the statistical confidence thresholds required to predict the impact of this variant on KANK1 protein function. In summary, the available evidence is currently insufficient to determine the role of this variant in disease. Therefore, it has been classified as a Variant of Uncertain Significance.